The following is an entry in ClinVar:

NM_000036.3(AMPD1):c.1476C>A (p.Asn492Lys)

Gene: AMPD1 (adenosine monophosphate deaminase 1; minus strand). Cytogenetic location: 1p13.2.
Variant type: single nucleotide variant.
Coding change: c.1476C>A on transcript NM_000036.3 (MANE Select); coding-DNA position 1476, C replaced by A.
Protein change: p.Asn492Lys; replaces asparagine 492 with lysine.
Molecular consequence: missense variant.
Genome position (GRCh38, 1-based): chr1:114,675,916, G>T on the plus strand (C>A on the coding strand, the complement: AMPD1 is on the minus strand). VCF-style: chr1-114675916-G-T. GRCh37 (hg19) VCF-style: chr1-115218537-G-T.
Other names: c.1464C>A, p.Asn488Lys (NM_001172626.2); short protein forms N488K, N492K.
Identifiers: ClinVar variation 1369464 (VCV001369464.7), dbSNP rs1570838359, ClinGen allele CA341747841.
Genomic context (GRCh38, chr1:114,675,916, plus strand): 5'-GGCCTGAAGGGTCATGCTTACATGCTTGAGGAAGACACTGAGTTCTGGGTCAGCCTGGGG[G>T]TTGATGGTGGCCTCAAACACTGGCATGAAAATATTCTCCAGCATTTTTCCAAAATGTGGA-3'
Protein context (NP_000027.3, residues 482-502): IFMPVFEATI[Asn492Lys]PQADPELSVF

ClinVar aggregate classification (germline): Uncertain significance (1 of 4 stars; one submission).

Conditions:
Muscle AMP deaminase deficiency (MMDD). Also called: Myoadenylate deaminase deficiency, myopathy due to; Adenosine monophosphate deaminase 1 deficiency; AMP deaminase 1 deficiency; Adenosine Monophosphate Deaminase 1; ADENOSINE MONOPHOSPHATE DEAMINASE-1 DEFICIENCY, MYOPATHY DUE TO; AMPD1 DEFICIENCY. Identifiers: Orphanet 45, MedGen C3714933, MONDO:0014220, OMIM 615511.

Allele frequency attached by ClinVar (database versions not stated): gnomAD exomes below 0.00001.
gnomAD v4.1: 1 of 1,614,190 alleles (0.000062%); highest among the groups gnomAD compares: East Asian, 0.0022%; no homozygotes.

Submission:

Labcorp Genetics (formerly Invitae), Labcorp
Classification: Uncertain significance for Muscle AMP deaminase deficiency. Last evaluated: 2024-02-16. Review status: criteria provided, single submitter. Criteria: Invitae Variant Classification Sherloc (09022015). Collection method: clinical testing. Allele origin: germline.
Comment: This sequence change replaces asparagine, which is neutral and polar, with lysine, which is basic and polar, at codon 525 of the AMPD1 protein (p.Asn525Lys). This variant is not present in population databases (gnomAD no frequency). This variant has not been reported in the literature in individuals affected with AMPD1-related conditions. ClinVar contains an entry for this variant (Variation ID: 1369464). Advanced modeling of protein sequence and biophysical properties (such as structural, functional, and spatial information, amino acid conservation, physicochemical variation, residue mobility, and thermodynamic stability) performed at Invitae indicates that this missense variant is not expected to disrupt AMPD1 protein function with a negative predictive value of 80%. In summary, the available evidence is currently insufficient to determine the role of this variant in disease. Therefore, it has been classified as a Variant of Uncertain Significance.